The following is an entry in ClinVar:

ClinVar aggregate classification (germline): Benign. Review status: criteria provided, multiple submitters, no conflicts (2 of 4 stars). 3 submissions from 3 submitters: Benign (3). Last evaluated 2018-12-24.

Conditions:
Roberts-SC phocomelia syndrome (RBS). Also called: LONG BONE DEFICIENCIES ASSOCIATED WITH CLEFT LIP-PALATE; Hypomelia hypotrichosis facial hemangioma syndrome; ESCO2 Spectrum Disorder; Pseudothalidomide syndrome; Appelt-Gerken-Lenz syndrome. Identifiers: Orphanet 3103, MedGen C0392475, MONDO:0100253, OMIM 268300.

Allele frequency attached by ClinVar (database versions not stated): TOPMed 0.01593; gnomAD 0.01734 and 0.01790; 1000 Genomes Project 30x 0.01889; 1000 Genomes Project 0.02536.
gnomAD v4.1: 5,885 of 1,146,310 alleles (0.51%); highest among the groups gnomAD compares: African/African-American, 5%; 100 homozygotes.

Submissions (3):

GeneDx
Classification: Benign. Last evaluated: 2018-12-24. Review status: criteria provided, single submitter. Criteria: GeneDx Variant Classification Process June 2021. Collection method: clinical testing. Allele origin: germline. Affected: yes.

Illumina Laboratory Services, Illumina
Classification: Benign for Roberts-SC phocomelia syndrome. Last evaluated: 2018-01-13. Review status: criteria provided, single submitter. Criteria: ICSL Variant Classification Criteria 13 December 2019. Collection method: clinical testing. Allele origin: germline.
Comment: This variant was observed in the ICSL laboratory as part of a predisposition screen in an ostensibly healthy population. It had not been previously curated by ICSL or reported in the Human Gene Mutation Database (HGMD: prior to June 1st, 2018), and was therefore a candidate for classification through an automated scoring system. Utilizing variant allele frequency, disease prevalence and penetrance estimates, and inheritance mode, an automated score was calculated to assess if this variant is too frequent to cause the disease. Based on the score and internal cut-off values, a variant classified as benign is not then subjected to further curation. The score for this variant resulted in a classification of benign for this disease.

Breakthrough Genomics
Classification: Benign. Review status: criteria provided, single submitter. Criteria: ACMG Guidelines, 2015. Collection method: not provided. Allele origin: germline. Inheritance: Autosomal recessive inheritance. Affected: yes.

NM_001017420.3(ESCO2):c.*141T>C

Gene: ESCO2 (establishment of sister chromatid cohesion N-acetyltransferase 2; plus strand). Cytogenetic location: 8p21.1.
Variant type: single nucleotide variant.
Coding change: c.*141T>C on transcript NM_001017420.3 (MANE Select); 141 bases downstream of the stop codon, T replaced by C.
Molecular consequence: 3 prime UTR variant.
Genome position (GRCh38, 1-based): chr8:27,803,579, T>C. VCF-style: chr8-27803579-T-C. GRCh37 (hg19) VCF-style: chr8-27661096-T-C.
Identifiers: ClinVar variation 362758 (VCV000362758.8), dbSNP rs200666958, ClinGen allele CA10630899.